The following is an entry in ClinVar:

NM_025099.6(CTC1):c.1156C>T (p.Gln386Ter)

Gene: CTC1 (CST telomere replication complex component 1; minus strand). Cytogenetic location: 17p13.1.
Variant type: single nucleotide variant.
Coding change: c.1156C>T on transcript NM_025099.6 (MANE Select); coding-DNA position 1156, C replaced by T.
Protein change: p.Gln386Ter; replaces glutamine 386 with a stop codon.
Molecular consequence: nonsense. On other transcripts: non-coding transcript variant (1).
Genome position (GRCh38, 1-based): chr17:8,235,881, G>A on the plus strand (C>T on the coding strand, the complement: CTC1 is on the minus strand). VCF-style: chr17-8235881-G-A. GRCh37 (hg19) VCF-style: chr17-8139199-G-A.
Other names: short protein forms Q386*.
Identifiers: ClinVar variation 1453166 (VCV001453166.7), dbSNP rs1203574273, ClinGen allele CA397986806.

ClinVar aggregate classification (germline): Pathogenic (1 of 4 stars; one submission).

Conditions:
Dyskeratosis congenita. Identifiers: Orphanet 1775, MedGen C0265965, MONDO:0015780.

Allele frequency attached by ClinVar (database versions not stated): gnomAD 0.00001.
gnomAD v4.1: 4 of 1,613,820 alleles (0.00025%); highest among the groups gnomAD compares: South Asian, 0.0044%; no homozygotes.

Submission:

Labcorp Genetics (formerly Invitae), Labcorp
Classification: Pathogenic for Dyskeratosis congenita. Last evaluated: 2022-05-30. Review status: criteria provided, single submitter. Criteria: Invitae Variant Classification Sherloc (09022015). Collection method: clinical testing. Allele origin: germline.
Comment: This sequence change creates a premature translational stop signal (p.Gln386*) in the CTC1 gene. It is expected to result in an absent or disrupted protein product. Loss-of-function variants in CTC1 are known to be pathogenic (PMID: 22267198, 22387016). This variant is not present in population databases (gnomAD no frequency). This variant has not been reported in the literature in individuals affected with CTC1-related conditions. ClinVar contains an entry for this variant (Variation ID: 1453166). For these reasons, this variant has been classified as Pathogenic.

Literature cited by the submitters: PubMed 22267198; PubMed 22387016.